The following is an entry in ClinVar:

NM_031220.4(PITPNM3):c.987G>A (p.Leu329=)

Gene: PITPNM3 (PITPNM family member 3; minus strand). Cytogenetic location: 17p13.2.
Variant type: single nucleotide variant.
Coding change: c.987G>A on transcript NM_031220.4 (MANE Select); coding-DNA position 987, G replaced by A.
Protein change: p.Leu329=; no amino-acid change (leucine 329 retained).
Molecular consequence: synonymous variant.
Genome position (GRCh38, 1-based): chr17:6,477,127, C>T on the plus strand (G>A on the coding strand, the complement: PITPNM3 is on the minus strand). VCF-style: chr17-6477127-C-T. GRCh37 (hg19) VCF-style: chr17-6380447-C-T.
Other names: c.879G>A, p.Leu293= (NM_001165966.2).
Identifiers: ClinVar variation 199174 (VCV000199174.24), dbSNP rs148451236, ClinGen allele CA248236.

ClinVar aggregate classification (germline): Conflicting classifications of pathogenicity. Review status: criteria provided, conflicting classifications (1 of 4 stars). 7 submissions from 7 submitters: Uncertain significance (1); Benign (2); Likely benign (1). 3 of the submissions do not count toward it. Last evaluated 2025-12-30.

Conditions:
PITPNM3-related disorder. Also called: PITPNM3-related condition.
Cone-rod dystrophy 5 (CORD5). Identifiers: Orphanet 1872, MedGen C1832976, MONDO:0010969, OMIM 600977.

Allele frequency attached by ClinVar (database versions not stated): ESP Exome Variant Server 0.00038; ExAC 0.00054; 1000 Genomes Project 0.00060; gnomAD 0.00061 and 0.00063; 1000 Genomes Project 30x 0.00062; gnomAD exomes 0.00069 and 0.00083; TOPMed 0.00071.
gnomAD v4.1: 1,322 of 1,614,224 alleles (0.082%); highest among the groups gnomAD compares: Admixed American, 0.098%; 3 homozygotes.

Submissions (7):

Labcorp Genetics (formerly Invitae), Labcorp
Classification: Benign. Last evaluated: 2025-12-30. Review status: criteria provided, single submitter. Criteria: Invitae Variant Classification Sherloc (09022015). Collection method: clinical testing. Allele origin: germline.

Blueprint Genetics
Classification: Likely benign. Last evaluated: 2024-06-25. Review status: criteria provided, single submitter. Criteria: ACMG Guidelines, 2015. Collection method: clinical testing. Allele origin: germline.

Illumina Laboratory Services, Illumina
Classification: Benign for Cone-rod dystrophy 5. Last evaluated: 2018-01-12. Review status: criteria provided, single submitter. Criteria: ICSL Variant Classification Criteria 13 December 2019. Collection method: clinical testing. Allele origin: germline.
Comment: This variant was observed in the ICSL laboratory as part of a predisposition screen in an ostensibly healthy population. It had not been previously curated by ICSL or reported in the Human Gene Mutation Database (HGMD: prior to June 1st, 2018), and was therefore a candidate for classification through an automated scoring system. Utilizing variant allele frequency, disease prevalence and penetrance estimates, and inheritance mode, an automated score was calculated to assess if this variant is too frequent to cause the disease. Based on the score and internal cut-off values, a variant classified as benign is not then subjected to further curation. The score for this variant resulted in a classification of benign for this disease.

Eurofins Ntd Llc (ga)
Classification: Uncertain significance. Last evaluated: 2015-04-30. Review status: criteria provided, single submitter. Criteria: EGL Classification Definitions 2015. Collection method: clinical testing. Allele origin: germline. Observed: 1 variant allele, 1 heterozygote.

PreventionGenetics, part of Exact Sciences
Classification: Benign for PITPNM3-related condition. Last evaluated: 2019-07-11. Review status: no assertion criteria provided. Collection method: clinical testing. Allele origin: germline. Not counted in ClinVar's aggregate classification.
Comment: This variant is classified as benign based on ACMG/AMP sequence variant interpretation guidelines (Richards et al. 2015 PMID: 25741868, with internal and published modifications).

Clinical Genetics DNA and cytogenetics Diagnostics Lab, Erasmus MC, Erasmus Medical Center
Classification: Likely benign. Review status: no assertion criteria provided. Collection method: clinical testing. Allele origin: germline. Affected: yes. Study: VKGL Data-share Consensus. Not counted in ClinVar's aggregate classification.

Clinical Genetics, Academic Medical Center
Classification: Likely benign. Review status: no assertion criteria provided. Collection method: clinical testing. Allele origin: germline. Affected: yes. Study: VKGL Data-share Consensus. Not counted in ClinVar's aggregate classification.